The following is an entry in ClinVar:

ClinVar aggregate classification (germline): Uncertain significance. Review status: criteria provided, multiple submitters, no conflicts (2 of 4 stars). 2 submissions from 2 submitters: Uncertain significance (2). Last evaluated 2025-06-30.

Allele frequency attached by ClinVar (database versions not stated): ExAC 0.00002; gnomAD 0.00002; gnomAD exomes 0.00002; TOPMed 0.00009.
gnomAD v4.1: 22 of 1,614,008 alleles (0.0014%); highest among the groups gnomAD compares: Admixed American, 0.012%; no homozygotes.

Submissions (2):

Labcorp Genetics (formerly Invitae), Labcorp
Classification: Uncertain significance. Last evaluated: 2025-06-30. Review status: criteria provided, single submitter. Criteria: Invitae Variant Classification Sherloc (09022015). Collection method: clinical testing. Allele origin: germline.
Comment: This sequence change replaces alanine, which is neutral and non-polar, with threonine, which is neutral and polar, at codon 685 of the FCHO1 protein (p.Ala685Thr). This variant is present in population databases (rs775232231, gnomAD 0.003%). This variant has not been reported in the literature in individuals affected with FCHO1-related conditions. ClinVar contains an entry for this variant (Variation ID: 1392214). An algorithm developed to predict the effect of missense changes on protein structure and function (PolyPhen-2) suggests that this variant is likely to be tolerated. In summary, the available evidence is currently insufficient to determine the role of this variant in disease. Therefore, it has been classified as a Variant of Uncertain Significance.

Ambry Genetics
Classification: Uncertain significance. Last evaluated: 2023-11-14. Review status: criteria provided, single submitter. Criteria: Ambry Variant Classification Scheme 2023. Collection method: clinical testing. Allele origin: germline.

NM_015122.3(FCHO1):c.2053G>A (p.Ala685Thr)

Gene: FCHO1 (FCH and mu domain containing endocytic adaptor 1; plus strand). Cytogenetic location: 19p13.11.
Variant type: single nucleotide variant.
Coding change: c.2053G>A on transcript NM_015122.3 (MANE Select); coding-DNA position 2053, G replaced by A.
Protein change: p.Ala685Thr; replaces alanine 685 with threonine.
Molecular consequence: missense variant. On other transcripts: non-coding transcript variant (36).
Genome position (GRCh38, 1-based): chr19:17,783,132, G>A. VCF-style: chr19-17783132-G-A. GRCh37 (hg19) VCF-style: chr19-17893941-G-A.
Other names: c.2053G>A, p.Ala685Thr (NM_001161357.2, NM_001161358.2, NM_001384370.1 and 13 more transcripts); c.1903G>A, p.Ala635Thr (NM_001161359.2, NM_001384384.1, NM_001384385.1 and 1 more transcripts); c.2014G>A, p.Ala672Thr (NM_001384388.1, NM_001384389.1, NM_001384405.1); c.1978G>A, p.Ala660Thr (NM_001384390.1); c.1936G>A, p.Ala646Thr (NM_001384392.1, NM_001384393.1, NM_001384394.1 and 1 more transcripts); c.1777G>A, p.Ala593Thr (NM_001384396.1, NM_001384397.1, NM_001384398.1 and 5 more transcripts); c.1732G>A, p.Ala578Thr (NM_001384403.1); c.1627G>A, p.Ala543Thr (NM_001384406.1); and 2 more; short protein forms A543T, A495T, A578T, A593T, A635T, A660T, A672T, A685T.
Identifiers: ClinVar variation 1392214 (VCV001392214.8), dbSNP rs775232231, ClinGen allele CA9300728.